The following is an entry in ClinVar:

ClinVar aggregate classification (germline): Pathogenic (1 of 4 stars; one submission).

Conditions:
SLC35A2-congenital disorder of glycosylation. Also called: CONGENITAL DISORDER OF GLYCOSYLATION, TYPE IIm; CDG IIm; CONGENITAL DISORDER OF GLYCOSYLATION, TYPE IIm, SOMATIC MOSAIC; EPILEPTIC ENCEPHALOPATHY, EARLY INFANTILE, 22; DEVELOPMENTAL AND EPILEPTIC ENCEPHALOPATHY 22; SLC35A2-CDG. Identifiers: Orphanet 356961, MedGen C3806688, MONDO:0010478, OMIM 300896.

Submission:

Labcorp Genetics (formerly Invitae), Labcorp
Classification: Pathogenic for SLC35A2-congenital disorder of glycosylation. Last evaluated: 2017-02-17. Review status: criteria provided, single submitter. Criteria: Invitae Variant Classification Sherloc (09022015). Collection method: clinical testing. Allele origin: germline.
Comment: This variant is a gross deletion of the genomic region encompassing a portion of intron 3 and exon 4 of the SLC35A2 gene (c.426+287_775del). While this deletion is not anticipated to result in nonsense mediated decay, it is expected to result in a truncated SLC35A2 protein lacking most or all of the residues encoded by exon 4 (~67% of the protein). While this particular variant has not been reported in the literature, several de novo missense and truncating variants in exon 4 have been reported in individuals affected with congenital disorders of glycosylation (PMID: 25262651, 24115232), suggesting that this region is important for protein function. For these reasons, this variant has been classified as Pathogenic.

NM_005660.3(SLC35A2):c.426+287_775del

Gene: SLC35A2 (solute carrier family 35 member A2; minus strand). Cytogenetic location: Xp11.23.
Variant type: Deletion.
Coding change: c.426+287_775del on transcript NM_005660.3 (MANE Select); 287 bases into the intron after coding-DNA position 426 through coding-DNA position 775, 972 bases deleted.
Molecular consequence: splice acceptor variant. On other transcripts: intron variant (3).
Genome position (GRCh38, 1-based): chrX:48,905,134-48,906,105, 972 bases deleted. GRCh37 (hg19): chrX:48,762,414-48,763,385.
Other names: c.243+287_592del (NM_001282649.2); c.426+287_427-242del (NM_001282647.2, NM_001032289.3); c.426+287_775del (NM_001042498.3); c.510+287_859del (NM_001282651.2); c.465+287_814del (NM_001282650.2); c.354+287_355-242del (NM_001282648.2).
Identifiers: ClinVar variation 412239 (VCV000412239.1), dbSNP rs1557042824, ClinGen allele CA16616606.